The following is an entry in ClinVar:

ClinVar aggregate classification (germline): Pathogenic. Review status: criteria provided, multiple submitters, no conflicts (2 of 4 stars). 2 submissions from 2 submitters: Pathogenic (2). Last evaluated 2024-09-09.

Conditions:
Neurodevelopmental delay. Identifiers: MedGen C4022738, HP:0012758.

Submissions (2):

GeneDx
Classification: Pathogenic. Last evaluated: 2024-09-09. Review status: criteria provided, single submitter. Criteria: GeneDx Variant Classification Process June 2021. Collection method: clinical testing. Allele origin: germline. Affected: yes.
Comment: Apparently de novo variant in a patient with thin posterior corpus callosum, hypotonia, joint hyperlaxity, and seizures (PMID: 32135084); Not observed at significant frequency in large population cohorts (gnomAD); In silico analysis supports that this missense variant has a deleterious effect on protein structure/function; This variant is associated with the following publications: (PMID: 33057194, 35982159, 32135084)

Centre de Biologie Pathologie Génétique, Centre Hospitalier Universitaire de Lille
Classification: Pathogenic for Neurodevelopmental delay. Review status: criteria provided, single submitter. Criteria: ACMG Guidelines, 2015. Collection method: clinical testing. Allele origin: de novo. Affected: yes.

NM_001356.5(DDX3X):c.119C>G (p.Pro40Arg)

Gene: DDX3X (DEAD-box helicase 3 X-linked; plus strand). Cytogenetic location: Xp11.4.
Variant type: single nucleotide variant.
Coding change: c.119C>G on transcript NM_001356.5 (MANE Select); coding-DNA position 119, C replaced by G.
Protein change: p.Pro40Arg; replaces proline 40 with arginine.
Molecular consequence: missense variant. On other transcripts: 5 prime UTR variant (1), non-coding transcript variant (1), intron variant (1).
Genome position (GRCh38, 1-based): chrX:41,339,051, C>G. VCF-style: chrX-41339051-C-G. GRCh37 (hg19) VCF-style: chrX-41198304-C-G.
Other names: c.119C>G, p.Pro40Arg (NM_001193416.3); c.-440C>G (NM_001363819.1); c.103+1586C>G (NM_001193417.3); short protein forms P40R.
Identifiers: ClinVar variation 419413 (VCV000419413.4), dbSNP rs1064793858, ClinGen allele CA16621377.
Genomic context (GRCh38, chrX:41,339,051, plus strand): 5'-TTTTTTGGCATTTAATTAATTTTATATATATATATATTTTTTTAGAAGGGCGCTATATTC[C>G]TCCTCATTTAAGGAACCGAGAAGCTACTAAAGGTAGGTCCTCACAAGTAACTTCGTAGGT-3'
Protein context (NP_001347.3, residues 30-50): GSTASKGRYI[Pro40Arg]PHLRNREATK